The following is an entry in ClinVar:

ClinVar aggregate classification (germline): Uncertain significance. Review status: criteria provided, multiple submitters, no conflicts (2 of 4 stars). 2 submissions from 2 submitters: Uncertain significance (2). Last evaluated 2024-02-14.

Allele frequency attached by ClinVar (database versions not stated): TOPMed 0.00002; gnomAD 0.00003; ExAC 0.00005; ESP Exome Variant Server 0.00008; 1000 Genomes Project 30x 0.00016; 1000 Genomes Project 0.00020.
gnomAD v4.1: 64 of 1,611,520 alleles (0.004%); highest among the groups gnomAD compares: East Asian, 0.022%; no homozygotes.

Submissions (2):

Blueprint Genetics
Classification: Uncertain significance. Last evaluated: 2024-02-14. Review status: criteria provided, single submitter. Criteria: ACMG Guidelines, 2015. Collection method: clinical testing. Allele origin: germline.

Labcorp Genetics (formerly Invitae), Labcorp
Classification: Uncertain significance. Last evaluated: 2022-08-22. Review status: criteria provided, single submitter. Criteria: Invitae Variant Classification Sherloc (09022015). Collection method: clinical testing. Allele origin: germline.
Comment: This sequence change replaces alanine, which is neutral and non-polar, with threonine, which is neutral and polar, at codon 347 of the KANK2 protein (p.Ala347Thr). This variant is present in population databases (rs147307664, gnomAD 0.02%). This variant has not been reported in the literature in individuals affected with KANK2-related conditions. Algorithms developed to predict the effect of missense changes on protein structure and function output the following: SIFT: "Tolerated"; PolyPhen-2: "Benign"; Align-GVGD: "Class C0". The threonine amino acid residue is found in multiple mammalian species, which suggests that this missense change does not adversely affect protein function. In summary, the available evidence is currently insufficient to determine the role of this variant in disease. Therefore, it has been classified as a Variant of Uncertain Significance.

NM_001136191.3(KANK2):c.1039G>A (p.Ala347Thr)

Gene: KANK2 (KN motif and ankyrin repeat domains 2; minus strand). Cytogenetic location: 19p13.2.
Variant type: single nucleotide variant.
Coding change: c.1039G>A on transcript NM_001136191.3 (MANE Select); coding-DNA position 1039, G replaced by A.
Protein change: p.Ala347Thr; replaces alanine 347 with threonine.
Molecular consequence: missense variant.
Genome position (GRCh38, 1-based): chr19:11,193,041, C>T on the plus strand (G>A on the coding strand, the complement: KANK2 is on the minus strand). VCF-style: chr19-11193041-C-T. GRCh37 (hg19) VCF-style: chr19-11303717-C-T.
Other names: c.1039G>A, p.Ala347Thr (NM_001329451.2, NM_001379548.1, NM_001379549.1 and 15 more transcripts); short protein forms A347T.
Identifiers: ClinVar variation 1916110 (VCV001916110.6), dbSNP rs147307664, ClinGen allele CA9205915.